The following is an entry in ClinVar:

ClinVar aggregate classification (germline): Uncertain significance (1 of 4 stars; one submission).

Conditions:
Autosomal recessive congenital ichthyosis 1 (LI1). Also called: COLLODION FETUS; DESQUAMATION OF NEWBORN; ICHTHYOSIS, CONGENITAL, AUTOSOMAL RECESSIVE 1, WITH BATHING SUIT DISTRIBUTION; ICHTHYOSIS, CONGENITAL, AUTOSOMAL RECESSIVE 1, WITH OR WITHOUT BATHING SUIT DISTRIBUTION; ICHTHYOSIS CONGENITA; ICHTHYOSIS CONGENITA II. Identifiers: MedGen C4551630, MONDO:0009441, OMIM 242300.

Submission:

Neuberg Centre For Genomic Medicine, NCGM
Classification: Uncertain significance for Autosomal recessive congenital ichthyosis 1. Review status: criteria provided, single submitter. Criteria: ACMG Guidelines, 2015. Collection method: clinical testing. Allele origin: germline. Inheritance: Autosomal recessive inheritance. Affected: yes.
Comment: The missense variant c.748T>G (p.Trp250Gly) in TGM1 gene has not been reported previously as a pathogenic variant nor as a benign variant, to our knowledge. The p.Trp250Gly variant is novel (not in any individuals) in gnomAD Exomes and 1000 Genomes. The amino acid Trp at position 250 is changed to a Gly changing protein sequence and it might alter its composition and physico-chemical properties. The variant is predicted to be damaging by both SIFT and PolyPhen2. The residue is conserved across species. The amino acid change p.Trp250Gly in TGM1 is predicted as conserved by GERP++ and PhyloP across 100 vertebrates. For these reasons, this variant has been classified as Uncertain Significance.

NM_000359.3(TGM1):c.748T>G (p.Trp250Gly)

Gene: TGM1 (transglutaminase 1; minus strand). Cytogenetic location: 14q12.
Variant type: single nucleotide variant.
Coding change: c.748T>G on transcript NM_000359.3 (MANE Select); coding-DNA position 748, T replaced by G.
Protein change: p.Trp250Gly; replaces tryptophan 250 with glycine.
Molecular consequence: missense variant.
Genome position (GRCh38, 1-based): chr14:24,260,459, A>C on the plus strand (T>G on the coding strand, the complement: TGM1 is on the minus strand). VCF-style: chr14-24260459-A-C. GRCh37 (hg19) VCF-style: chr14-24729665-A-C.
Other names: short protein forms W250G.
Identifiers: ClinVar variation 2585365 (VCV002585365.1), dbSNP rs318240748, ClinGen allele CA257899970.